The following is an entry in ClinVar:

NM_001033855.3(DCLRE1C):c.109+1G>T

Gene: DCLRE1C (DNA cross-link repair 1C; minus strand). Cytogenetic location: 10p13.
Variant type: single nucleotide variant.
Coding change: c.109+1G>T on transcript NM_001033855.3 (MANE Select); the canonical splice donor site of the intron after coding-DNA position 109, G replaced by T.
Molecular consequence: splice donor variant.
Genome position (GRCh38, 1-based): chr10:14,953,901, C>A on the plus strand (G>T on the coding strand, the complement: DCLRE1C is on the minus strand). VCF-style: chr10-14953901-C-A. GRCh37 (hg19) VCF-style: chr10-14995900-C-A.
Other names: c.-129+1G>T (NM_001350966.2, NM_001289078.2); c.109+1G>T (NM_001350965.2); c.-337+1G>T (NM_001350967.2, NM_001033857.3); c.-96+1G>T (NM_001289076.2); c.-181+1G>T (NM_022487.4); c.-383+1G>T (NM_001289077.2); c.-705+1G>T (NM_001289079.2); c.-659+1G>T (NM_001033858.3).
Identifiers: ClinVar variation 969751 (VCV000969751.14), dbSNP rs143144732, ClinGen allele CA5417032.

ClinVar aggregate classification (germline): Pathogenic. Review status: reviewed by expert panel (3 of 4 stars). 5 submissions from 5 submitters: Pathogenic (1). 4 of the submissions do not count toward it. Last evaluated 2024-01-23.

Conditions:
Histiocytic medullary reticulosis. Also called: SEVERE COMBINED IMMUNODEFICIENCY WITH HYPEREOSINOPHILIA; Omenn syndrome. Identifiers: Orphanet 39041, MedGen C2700553, MONDO:0011338, OMIM 603554.
Severe combined immunodeficiency due to DCLRE1C deficiency (RS-SCID). Also called: SCID, AUTOSOMAL RECESSIVE, T CELL-NEGATIVE, B CELL-NEGATIVE, NK CELL-POSITIVE, WITH SENSITIVITY TO IONIZING RADIATION. Identifiers: Orphanet 275, MedGen C1865371, MONDO:0011225, OMIM 602450.
Athabaskan severe combined immunodeficiency (SCIDA). Also called: Severe combined immunodeficiency, athabascan-type. Identifiers: MedGen C1865370.

Allele frequency attached by ClinVar (database versions not stated): ExAC 0.00002; gnomAD exomes below 0.00001 and 0.00002; TOPMed 0.00001; gnomAD 0.00003; ESP Exome Variant Server 0.00015.
gnomAD v4.1: 10 of 1,613,852 alleles (0.00062%); highest among the groups gnomAD compares: African/African-American, 0.004%; no homozygotes.

Submissions (5):

ClinGen Severe Combined Immunodeficiency Variant Curation Expert Panel, ClinGen
Classification: Pathogenic for Severe combined immunodeficiency due to DCLRE1C deficiency. Last evaluated: 2024-01-23. Review status: reviewed by expert panel. Criteria: ClinGen SCID ACMG Specifications DCLRE1C V1.0.0. Collection method: curation. Allele origin: germline. Inheritance: Autosomal recessive inheritance.
Comment: The c.109+1G>T (NM_001033855.3) variant in DCLRE1C occurs within the canonical splice donor site (+1) of intron 1. It is predicted to cause skipping of biologically relevant exon 1/14, resulting in a frameshift leading to nonsense-mediated decay in a gene in which loss-of-function is an established disease mechanism (PVS1 is met). This prediction is confirmed by RT-PCR analysis (PMID: 25981738). The filtering allele frequency (the upper threshold of the 95% CI of 5/128202 of the c.109+1G>T variant in DCLRE1C is 0.00001128 for European (non-Finnish) chromosomes by gnomAD v2.1.1, which is lower than the ClinGen SCID VCEP threshold (<0.00003266) for PM2_Supporting, and therefore meets this criterion (PM2_Supporting). This variant has been detected in at least one individual in the literature. Patient 6, PMID: 25981738, is compound heterozygous with 82kb hemizygous deletion involving exons 1–4 of DCLRE1C, at least LP, according to SCID VCEP. 1 point, PM3 is met. In summary, this variant meets the criteria to be classified as Pathogenic for autosomal recessive severe combined immunodeficiency due to DCLRE1C deficiency based on the ACMG/AMP criteria applied, as specified by the ClinGen SCID VCEP: PM2_Supporting, PVS1, and PM3 (VCEP specifications version 1).

Fulgent Genetics
Classification: Likely pathogenic for Severe combined immunodeficiency due to DCLRE1C deficiency; Histiocytic medullary reticulosis. Last evaluated: 2024-02-25. Review status: criteria provided, single submitter. Criteria: ACMG Guidelines, 2015. Collection method: clinical testing. Allele origin: germline. Not counted in ClinVar's aggregate classification.

Labcorp Genetics (formerly Invitae), Labcorp
Classification: Pathogenic for Athabaskan severe combined immunodeficiency. Last evaluated: 2023-06-12. Review status: criteria provided, single submitter. Criteria: Invitae Variant Classification Sherloc (09022015). Collection method: clinical testing. Allele origin: germline. Not counted in ClinVar's aggregate classification.
Comment: Algorithms developed to predict the effect of sequence changes on RNA splicing suggest that this variant may disrupt the consensus splice site. ClinVar contains an entry for this variant (Variation ID: 969751). Disruption of this splice site has been observed in individual(s) with profound lymphopenia and low T-cell function (PMID: 25981738). In at least one individual the data is consistent with being in trans (on the opposite chromosome) from a pathogenic variant. This variant is present in population databases (rs143144732, gnomAD 0.004%). This sequence change affects a donor splice site in intron 1 of the DCLRE1C gene. It is expected to disrupt RNA splicing. Variants that disrupt the donor or acceptor splice site typically lead to a loss of protein function (PMID: 16199547), and loss-of-function variants in DCLRE1C are known to be pathogenic (PMID: 21664875, 26123418). For these reasons, this variant has been classified as Pathogenic.

Baylor Genetics
Classification: Pathogenic for Histiocytic medullary reticulosis. Last evaluated: 2022-07-18. Review status: criteria provided, single submitter. Criteria: ACMG Guidelines, 2015. Collection method: clinical testing. Allele origin: unknown. Not counted in ClinVar's aggregate classification.

Natera, Inc.
Classification: Pathogenic for Athabascan severe combined immunodeficiency. Last evaluated: 2020-11-06. Review status: no assertion criteria provided. Collection method: clinical testing. Allele origin: germline. Not counted in ClinVar's aggregate classification.

Literature cited by the submitters: PubMed 25981738 (cited by Labcorp Genetics (formerly Invitae), Labcorp); PubMed 16199547 (cited by Labcorp Genetics (formerly Invitae), Labcorp); PubMed 21664875 (cited by Labcorp Genetics (formerly Invitae), Labcorp); PubMed 26123418 (cited by Labcorp Genetics (formerly Invitae), Labcorp).